The following is an entry in ClinVar:

NM_032273.4(TMEM126A):c.395+10A>G

Gene: TMEM126A (transmembrane protein 126A; plus strand). Cytogenetic location: 11q14.1.
Variant type: single nucleotide variant.
Coding change: c.395+10A>G on transcript NM_032273.4 (MANE Select); 10 bases into the intron after coding-DNA position 395, A replaced by G.
Molecular consequence: intron variant.
Genome position (GRCh38, 1-based): chr11:85,655,718, A>G. VCF-style: chr11-85655718-A-G. GRCh37 (hg19) VCF-style: chr11-85366762-A-G.
Other names: c.185+10A>G (NM_001244735.2).
Identifiers: ClinVar variation 262022 (VCV000262022.21), dbSNP rs2196168, ClinGen allele CA6212778.
Genomic context (GRCh38, chr11:85,655,718, plus strand): 5'-TCTATACCCTGTTTTCTTGGCTATACCTGTAAATGGTGGTCTAGCAGCCAGGTAGGAAAT[A>G]AAAAACTTTTTATAATATGTGATTACCTATAAAACTCACAACTTAAAGCAGCAAATATAT-3'

ClinVar aggregate classification (germline): Benign. Review status: criteria provided, multiple submitters, no conflicts (2 of 4 stars). 7 submissions from 7 submitters: Benign (6). 1 of the submissions does not count toward it. Last evaluated 2026-02-04.

Conditions:
Autosomal recessive optic atrophy, OPA7 type. Also called: OPTIC ATROPHY 7 WITH OR WITHOUT AUDITORY NEUROPATHY. Identifiers: Orphanet 227976, Orphanet 98676, MedGen C2751812, MONDO:0013069, OMIM 612989.

Allele frequency attached by ClinVar (database versions not stated): gnomAD exomes 0.23249 and 0.28983; ESP Exome Variant Server 0.25608; gnomAD 0.28103 and 0.28691; ExAC 0.28538; TOPMed 0.29562; 1000 Genomes Project 0.37600; 1000 Genomes Project 30x 0.37711.
gnomAD v4.1: 379,853 of 1,593,950 alleles (24%); highest among the groups gnomAD compares: African/African-American, 40%; 50,401 homozygotes.

Submissions (7):

Labcorp Genetics (formerly Invitae), Labcorp
Classification: Benign. Last evaluated: 2026-02-04. Review status: criteria provided, single submitter. Criteria: Invitae Variant Classification Sherloc (09022015). Collection method: clinical testing. Allele origin: germline.

Blueprint Genetics
Classification: Benign. Last evaluated: 2024-11-27. Review status: criteria provided, single submitter. Criteria: ACMG Guidelines, 2015. Collection method: clinical testing. Allele origin: germline.

Illumina Laboratory Services, Illumina
Classification: Benign for Autosomal recessive optic atrophy, OPA7 type. Last evaluated: 2018-01-12. Review status: criteria provided, single submitter. Criteria: ICSL Variant Classification Criteria 13 December 2019. Collection method: clinical testing. Allele origin: germline.
Comment: This variant was observed in the ICSL laboratory as part of a predisposition screen in an ostensibly healthy population. It had not been previously curated by ICSL or reported in the Human Gene Mutation Database (HGMD: prior to June 1st, 2018), and was therefore a candidate for classification through an automated scoring system. Utilizing variant allele frequency, disease prevalence and penetrance estimates, and inheritance mode, an automated score was calculated to assess if this variant is too frequent to cause the disease. Based on the score and internal cut-off values, a variant classified as benign is not then subjected to further curation. The score for this variant resulted in a classification of benign for this disease.

GeneDx
Classification: Benign. Last evaluated: 2015-03-03. Review status: criteria provided, single submitter. Criteria: GeneDx Variant Classification Process June 2021. Collection method: clinical testing. Allele origin: germline. Affected: yes.

Breakthrough Genomics
Classification: Benign. Review status: criteria provided, single submitter. Criteria: ACMG Guidelines, 2015. Collection method: not provided. Allele origin: germline. Inheritance: Autosomal recessive inheritance. Affected: yes.

PreventionGenetics, part of Exact Sciences
Classification: Benign. Review status: criteria provided, single submitter. Criteria: ACMG Guidelines, 2015. Collection method: clinical testing. Allele origin: germline.

Mayo Clinic Laboratories, Mayo Clinic
Classification: Benign. Last evaluated: 2016-02-19. Review status: no assertion criteria provided. Collection method: clinical testing. Allele origin: unknown. Not counted in ClinVar's aggregate classification.